The following is an entry in ClinVar:

NM_000038.6(APC):c.7030C>T (p.Gln2344Ter)

Gene: APC (APC regulator of Wnt signaling pathway; plus strand). Cytogenetic location: 5q22.2.
Variant type: single nucleotide variant.
Coding change: c.7030C>T on transcript NM_000038.6 (MANE Select); coding-DNA position 7030, C replaced by T.
Protein change: p.Gln2344Ter; replaces glutamine 2344 with a stop codon.
Molecular consequence: nonsense. On other transcripts: non-coding transcript variant (2).
Genome position (GRCh38, 1-based): chr5:112,842,624, C>T. VCF-style: chr5-112842624-C-T. GRCh37 (hg19) VCF-style: chr5-112178321-C-T.
Other names: c.7030C>T, p.Gln2344Ter (NM_001127510.3, NM_001354895.2, NM_001407450.1); c.6976C>T, p.Gln2326Ter (NM_001127511.3); c.7084C>T, p.Gln2362Ter (NM_001354896.2, NM_001407447.1, NM_001407448.1 and 1 more transcripts); c.7060C>T, p.Gln2354Ter (NM_001354897.2); c.6955C>T, p.Gln2319Ter (NM_001354898.2); c.6946C>T, p.Gln2316Ter (NM_001354899.2); c.6907C>T, p.Gln2303Ter (NM_001354900.2); c.6853C>T, p.Gln2285Ter (NM_001354901.2, NM_001407453.1); and 11 more; short protein forms Q1960*, Q2061*, Q2184*, Q2215*, Q2218*, Q2243*, Q2253*, Q2261*.
Identifiers: ClinVar variation 3231137 (VCV003231137.1), dbSNP rs1580677644, ClinGen allele CA16036656.
Genomic context (GRCh38, chr5:112,842,624, plus strand): 5'-CCTGGCCGAAACTCAATTTCCCCTGGTAGAAATGGAATAAGTCCTCCTAACAAATTATCT[C>T]AACTTCCAAGGACATCATCCCCTAGTACTGCTTCAACTAAGTCCTCAGGTTCTGGAAAAA-3'

ClinVar aggregate classification (germline): Likely pathogenic (1 of 4 stars; one submission).

Conditions:
Hereditary cancer-predisposing syndrome. Also called: Neoplastic Syndromes, Hereditary; Tumor predisposition; Hereditary neoplastic syndrome; Hereditary Cancer Syndrome. Identifiers: Orphanet 140162, MedGen C0027672, MeSH D009386, MONDO:0015356.

Submission:

Ambry Genetics
Classification: Likely pathogenic for Hereditary cancer-predisposing syndrome. Last evaluated: 2023-11-17. Review status: criteria provided, single submitter. Criteria: Ambry Variant Classification Scheme 2023. Collection method: clinical testing. Allele origin: germline.
Comment: The p.Q2344* variant (also known as c.7030C>T), located in coding exon 15 of the APC gene, results from a C to T substitution at nucleotide position 7030. This changes the amino acid from a glutamine to a stop codon within coding exon 15. This alteration occurs at the 3' terminus of theAPC gene, is not expected to trigger nonsense-mediated mRNA decay, and only impacts the last 100 amino acids of the protein. However, premature stop codons are typically deleterious in nature, the impacted region is critical for protein function, and a significant portion of the protein is affected (Ambry internal data). This alteration has been observed in at least one individual with a personal and/or family history that is consistent with APC-related disease (Ambry internal data). This variant is considered to be rare based on population cohorts in the Genome Aggregation Database (gnomAD). Based on the majority of available evidence to date, this variant is likely to be pathogenic.